The following is an entry in ClinVar:

NM_004380.3(CREBBP):c.6063G>A (p.Trp2021Ter)

Gene: CREBBP (CREB binding lysine acetyltransferase; minus strand). Cytogenetic location: 16p13.3.
Variant type: single nucleotide variant.
Coding change: c.6063G>A on transcript NM_004380.3 (MANE Select); coding-DNA position 6063, G replaced by A.
Protein change: p.Trp2021Ter; replaces tryptophan 2021 with a stop codon.
Molecular consequence: nonsense.
Genome position (GRCh38, 1-based): chr16:3,728,984, C>T on the plus strand (G>A on the coding strand, the complement: CREBBP is on the minus strand). VCF-style: chr16-3728984-C-T. GRCh37 (hg19) VCF-style: chr16-3778985-C-T.
Other names: c.5949G>A, p.Trp1983Ter (NM_001079846.1); short protein forms W1983*, W2021*.
Identifiers: ClinVar variation 5038568 (VCV005038568.1).

ClinVar aggregate classification (germline): Likely pathogenic (1 of 4 stars; one submission).

Submission:

CeGaT Center for Human Genetics Tuebingen
Classification: Likely pathogenic. Last evaluated: 2026-08-01. Review status: criteria provided, single submitter. Criteria: CeGaT Center For Human Genetics Tuebingen Variant Classification Criteria Version 2. Collection method: clinical testing. Allele origin: germline. Affected: yes. Observed: 1 variant allele.
Comment: CREBBP: PVS1:Strong, PM2, PS2:Moderate, PS4:Supporting